The following is an entry in ClinVar:

ClinVar aggregate classification (germline): Uncertain significance (1 of 4 stars; one submission).

Conditions:
CHARGE syndrome (CHARGE). Also called: Coloboma, heart anomaly, choanal atresia, retardation, genital and ear anomalies; CHARGE association; Hall-Hittner syndrome; Hittner Hirsch Kreh syndrome; CHARGE ASSOCIATION--COLOBOMA, HEART ANOMALY, CHOANAL ATRESIA, RETARDATION, GENITAL AND EAR ANOMALIES. Identifiers: Orphanet 138, MedGen C0265354, MONDO:0008965.

Submission:

Labcorp Genetics (formerly Invitae), Labcorp
Classification: Uncertain significance for CHARGE syndrome. Last evaluated: 2024-10-22. Review status: criteria provided, single submitter. Criteria: Invitae Variant Classification Sherloc (09022015). Collection method: clinical testing. Allele origin: germline.
Comment: This sequence change replaces alanine, which is neutral and non-polar, with valine, which is neutral and non-polar, at codon 2544 of the CHD7 protein (p.Ala2544Val). This variant is not present in population databases (gnomAD no frequency). This variant has not been reported in the literature in individuals affected with CHD7-related conditions. ClinVar contains an entry for this variant (Variation ID: 1716908). Invitae Evidence Modeling of protein sequence and biophysical properties (such as structural, functional, and spatial information, amino acid conservation, physicochemical variation, residue mobility, and thermodynamic stability) indicates that this missense variant is not expected to disrupt CHD7 protein function with a negative predictive value of 80%. In summary, the available evidence is currently insufficient to determine the role of this variant in disease. Therefore, it has been classified as a Variant of Uncertain Significance.

NM_017780.4(CHD7):c.7631C>T (p.Ala2544Val)

Gene: CHD7 (chromodomain helicase DNA binding protein 7; plus strand). Cytogenetic location: 8q12.2.
Variant type: single nucleotide variant.
Coding change: c.7631C>T on transcript NM_017780.4 (MANE Select); coding-DNA position 7631, C replaced by T.
Protein change: p.Ala2544Val; replaces alanine 2544 with valine.
Molecular consequence: missense variant. On other transcripts: intron variant (1).
Genome position (GRCh38, 1-based): chr8:60,860,926, C>T. VCF-style: chr8-60860926-C-T. GRCh37 (hg19) VCF-style: chr8-61773485-C-T.
Other names: c.1717-1303C>T (NM_001316690.1); short protein forms A2544V.
Identifiers: ClinVar variation 1716908 (VCV001716908.5), dbSNP rs1053913378, ClinGen allele CA371304205.
Genomic context (GRCh38, chr8:60,860,926, plus strand): 5'-TTCGTGTGAGAATTCATACCATTGTGAACTTTCTGCAGGAGGATGCTGAGGTGACCAAAG[C>T]TTTTGAAGAAGATATAGAGACCCCACCAACAAGAAACATTCCTTCTCCCGGACAGCTGGA-3'
Protein context (NP_060250.2, residues 2534-2554): LSAEDAEVTK[Ala2544Val]FEEDIETPPT